The following is an entry in ClinVar:

ClinVar aggregate classification (germline): Uncertain significance. Review status: criteria provided, multiple submitters, no conflicts (2 of 4 stars). 2 submissions from 2 submitters: Uncertain significance (2). Last evaluated 2022-10-27.

gnomAD v4.1: 35 of 1,613,818 alleles (0.0022%); highest among the groups gnomAD compares: Middle Eastern, 0.066%; no homozygotes.

Submissions (2):

Ambry Genetics
Classification: Uncertain significance. Last evaluated: 2022-10-27. Review status: criteria provided, single submitter. Criteria: Ambry Variant Classification Scheme 2023. Collection method: clinical testing. Allele origin: germline.

Labcorp Genetics (formerly Invitae), Labcorp
Classification: Uncertain significance. Last evaluated: 2022-07-27. Review status: criteria provided, single submitter. Criteria: Invitae Variant Classification Sherloc (09022015). Collection method: clinical testing. Allele origin: germline.
Comment: This sequence change replaces alanine, which is neutral and non-polar, with valine, which is neutral and non-polar, at codon 27 of the UQCRC2 protein (p.Ala27Val). This variant is present in population databases (rs373905701, gnomAD 0.002%). This variant has not been reported in the literature in individuals affected with UQCRC2-related conditions. Algorithms developed to predict the effect of missense changes on protein structure and function output the following: SIFT: "Deleterious"; PolyPhen-2: "Benign"; Align-GVGD: "Class C0". The valine amino acid residue is found in multiple mammalian species, which suggests that this missense change does not adversely affect protein function. In summary, the available evidence is currently insufficient to determine the role of this variant in disease. Therefore, it has been classified as a Variant of Uncertain Significance.

NM_003366.4(UQCRC2):c.80C>T (p.Ala27Val)

Gene: UQCRC2 (ubiquinol-cytochrome c reductase core protein 2). Cytogenetic location: 16p12.2.
Variant type: single nucleotide variant.
Coding change: c.80C>T on transcript NM_003366.4 (MANE Select); coding-DNA position 80, C replaced by T.
Protein change: p.Ala27Val; replaces alanine 27 with valine.
Molecular consequence: missense variant.
Genome position (GRCh38, 1-based): chr16:21,957,281, C>T. VCF-style: chr16-21957281-C-T. GRCh37 (hg19) VCF-style: chr16-21968602-C-T.
Other names: short protein forms A27V.
Identifiers: ClinVar variation 2076978 (VCV002076978.2), dbSNP rs373905701, ClinGen allele CA7953619.
Genomic context (GRCh38, chr16:21,957,281, plus strand): 5'-TTTTTTATGTTTAGAGATTTTATTCCCTCAAAGTTGCCCCCAAAGTTAAAGCCACAGCTG[C>T]GCCTGCAGGAGCACCGCCACAACCTCAGGACCTTGAGGTTAGTCCCACTAACTTGCTCGC-3'
Protein context (NP_003357.2, residues 17-37): KVAPKVKATA[Ala27Val]PAGAPPQPQD